The following is an entry in ClinVar:

ClinVar aggregate classification (germline): Benign. Review status: criteria provided, multiple submitters, no conflicts (2 of 4 stars). 7 submissions from 7 submitters: Benign (5). 2 of the submissions do not count toward it. Last evaluated 2026-02-03.

Conditions:
Arrhythmogenic right ventricular dysplasia 13. Also called: ARRHYTHMOGENIC RIGHT VENTRICULAR CARDIOMYOPATHY 13; Arrhythmogenic right ventricular dysplasia, familial, 13. Identifiers: MedGen C3810138, MONDO:0000908, OMIM 615616.

Allele frequency attached by ClinVar (database versions not stated): gnomAD 0.05538 and 0.05771; TOPMed 0.05565; gnomAD exomes 0.05738 and 0.05835; 1000 Genomes Project 30x 0.05903; 1000 Genomes Project 0.05931; ExAC 0.05985; ESP Exome Variant Server 0.06105.
gnomAD v4.1: 93,712 of 1,605,582 alleles (5.8%); highest among the groups gnomAD compares: South Asian, 13%; 3,305 homozygotes.

Submissions (7):

Labcorp Genetics (formerly Invitae), Labcorp
Classification: Benign for Arrhythmogenic right ventricular dysplasia 13. Last evaluated: 2026-02-03. Review status: criteria provided, single submitter. Criteria: Invitae Variant Classification Sherloc (09022015). Collection method: clinical testing. Allele origin: germline.

Blueprint Genetics
Classification: Benign. Last evaluated: 2024-11-27. Review status: criteria provided, single submitter. Criteria: ACMG Guidelines, 2015. Collection method: clinical testing. Allele origin: germline.

Women's Health and Genetics/Laboratory Corporation of America, LabCorp
Classification: Benign. Last evaluated: 2023-04-09. Review status: criteria provided, single submitter. Criteria: LabCorp Variant Classification Summary - May 2015. Collection method: clinical testing. Allele origin: germline.

GeneDx
Classification: Benign. Last evaluated: 2017-10-26. Review status: criteria provided, single submitter. Criteria: GeneDx Variant Classification (06012015). Collection method: clinical testing. Allele origin: germline. Affected: yes.
Comment: This variant is considered likely benign or benign based on one or more of the following criteria: it is a conservative change, it occurs at a poorly conserved position in the protein, it is predicted to be benign by multiple in silico algorithms, and/or has population frequency not consistent with disease.

Breakthrough Genomics
Classification: Benign. Review status: criteria provided, single submitter. Criteria: ACMG Guidelines, 2015. Collection method: not provided. Allele origin: germline. Inheritance: Autosomal dominant inheritance. Affected: yes.

Clinical Genetics DNA and cytogenetics Diagnostics Lab, Erasmus MC, Erasmus Medical Center
Classification: Benign. Review status: no assertion criteria provided. Collection method: clinical testing. Allele origin: germline. Affected: yes. Study: VKGL Data-share Consensus. Not counted in ClinVar's aggregate classification.

Clinical Genetics, Academic Medical Center
Classification: Benign. Review status: no assertion criteria provided. Collection method: clinical testing. Allele origin: germline. Affected: yes. Study: VKGL Data-share Consensus. Not counted in ClinVar's aggregate classification.

NM_013266.4(CTNNA3):c.460-13T>C

Gene: CTNNA3 (catenin alpha 3; minus strand). Cytogenetic location: 10q21.3.
Variant type: single nucleotide variant.
Coding change: c.460-13T>C on transcript NM_013266.4 (MANE Select); 13 bases into the intron before coding-DNA position 460, T replaced by C.
Molecular consequence: intron variant.
Genome position (GRCh38, 1-based): chr10:67,521,974, A>G on the plus strand (T>C on the coding strand, the complement: CTNNA3 is on the minus strand). VCF-style: chr10-67521974-A-G. GRCh37 (hg19) VCF-style: chr10-69281732-A-G.
Other names: c.460-13T>C (NM_001127384.3); c.496-13T>C (NM_001291133.2).
Identifiers: ClinVar variation 516745 (VCV000516745.14), dbSNP rs7903421, ClinGen allele CA5520605.